The following is an entry in ClinVar:

ClinVar aggregate classification (germline): Pathogenic (1 of 4 stars; one submission).

Conditions:
CEP290-related ciliopathy. Also called: CEP290 ciliopathy. Identifiers: MedGen CN305601, MONDO:0100451.

Submission:

Myriad Genetics, Inc.
Classification: Pathogenic for CEP290-related ciliopathy. Last evaluated: 2025-10-21. Review status: criteria provided, single submitter. Criteria: Myriad Autosomal Dominant, Autosomal Recessive and X-Linked Classification Criteria (2023). Collection method: clinical testing. Allele origin: unknown.
Comment: NM_025114.3(CEP290):c.5428_5429delAA(N1810Qfs*7) is expected to be pathogenic in the context of CEP290-related disorders. This variant is predicted to lead to an abnormal or absent protein product due to the creation of a premature termination codon in CEP290, a gene where loss-of-function variants are known to be pathogenic. Please note: this variant was assessed in the context of healthy population screening.

NM_025114.4(CEP290):c.5428_5429del (p.Asn1810fs)

Gene: CEP290 (centrosomal protein 290; minus strand). Cytogenetic location: 12q21.32.
Variant type: Deletion.
Coding change: c.5428_5429del on transcript NM_025114.4 (MANE Select); coding-DNA positions 5428 to 5429, 2 bases deleted (AA; older notation c.5428_5429delAA).
Protein change: p.Asn1810fs; shifts the reading frame from asparagine 1810.
Molecular consequence: frameshift variant.
Genome position (GRCh38, 1-based): chr12:88,077,854-88,077,855, TT deleted on the plus strand (AA on the coding strand, the reverse complement: CEP290 is on the minus strand); deleting any 2 consecutive bases within chr12:88,077,854-88,077,858 gives the same sequence; the c. name uses the placement nearest the transcript's 3' end. VCF-style (leftmost placement, unchanged base first): chr12-88077853-GTT-G. GRCh37 (hg19) VCF-style: chr12-88471630-GTT-G.
Other names: short protein forms N1810fs.
Identifiers: ClinVar variation 5015114 (VCV005015114.1).
Genomic context (GRCh38, chr12:88,077,853, plus strand): 5'-TTGTTTCTTTTGCAGTTCATTATTTAAGTCATTCAAATTATCAGTTAGTGAGTTTTCTCT[GTT>G]TTTACTTGTTTTAAGTGCTTCTTTCAATTTTAAAAGATTTTCATTTAAATCTTCAACTTG-3'